The following is an entry in ClinVar:

NM_007186.6(CEP250):c.4952A>G (p.Gln1651Arg)

Gene: CEP250 (centrosomal protein 250; plus strand). Cytogenetic location: 20q11.22.
Variant type: single nucleotide variant.
Coding change: c.4952A>G on transcript NM_007186.6 (MANE Select); coding-DNA position 4952, A replaced by G.
Protein change: p.Gln1651Arg; replaces glutamine 1651 with arginine.
Molecular consequence: missense variant.
Genome position (GRCh38, 1-based): chr20:35,503,321, A>G. VCF-style: chr20-35503321-A-G. GRCh37 (hg19) VCF-style: chr20-34091149-A-G.
Other names: c.3056A>G, p.Gln1019Arg (NM_001318219.1); short protein forms Q1651R, Q1019R.
Identifiers: ClinVar variation 1504653 (VCV001504653.6), dbSNP rs2147158137, ClinGen allele CA408750025.

ClinVar aggregate classification (germline): Uncertain significance (1 of 4 stars; one submission).

Allele frequency attached by ClinVar (database versions not stated): gnomAD exomes below 0.00001.
gnomAD v4.1: 2 of 1,614,208 alleles (0.00012%); highest among the groups gnomAD compares: South Asian, 0.0022%; no homozygotes.

Submission:

Labcorp Genetics (formerly Invitae), Labcorp
Classification: Uncertain significance. Last evaluated: 2021-11-19. Review status: criteria provided, single submitter. Criteria: Invitae Variant Classification Sherloc (09022015). Collection method: clinical testing. Allele origin: germline.
Comment: In summary, the available evidence is currently insufficient to determine the role of this variant in disease. Therefore, it has been classified as a Variant of Uncertain Significance. Algorithms developed to predict the effect of missense changes on protein structure and function are either unavailable or do not agree on the potential impact of this missense change (SIFT: "Not Available"; PolyPhen-2: "Benign"; Align-GVGD: "Not Available"). This variant has not been reported in the literature in individuals affected with CEP250-related conditions. This variant is not present in population databases (gnomAD no frequency). This sequence change replaces glutamine, which is neutral and polar, with arginine, which is basic and polar, at codon 1651 of the CEP250 protein (p.Gln1651Arg).